The following is an entry in ClinVar:

ClinVar aggregate classification (germline): Benign/Likely benign. Review status: criteria provided, multiple submitters, no conflicts (2 of 4 stars). 7 submissions from 7 submitters: Benign (2); Likely benign (4). 1 of the submissions does not count toward it. Last evaluated 2026-09-01.

Conditions:
DEAF1-related disorder.

Allele frequency attached by ClinVar (database versions not stated): 1000 Genomes Project 0.00060; 1000 Genomes Project 30x 0.00062; ExAC 0.00265; gnomAD 0.00269 and 0.00284; gnomAD exomes 0.00277 and 0.00505; TOPMed 0.00299; ESP Exome Variant Server 0.00538.
gnomAD v4.1: 7,817 of 1,614,250 alleles (0.48%); highest among the groups gnomAD compares: Non-Finnish European, 0.6%; 19 homozygotes.

Submissions (7):

CeGaT Center for Human Genetics Tuebingen
Classification: Likely benign. Last evaluated: 2026-09-01. Review status: criteria provided, single submitter. Criteria: CeGaT Center For Human Genetics Tuebingen Variant Classification Criteria Version 2. Collection method: clinical testing. Allele origin: germline. Affected: yes. Observed: 26 variant alleles.
Comment: DEAF1: BS2

Labcorp Genetics (formerly Invitae), Labcorp
Classification: Benign. Last evaluated: 2026-01-28. Review status: criteria provided, single submitter. Criteria: Invitae Variant Classification Sherloc (09022015). Collection method: clinical testing. Allele origin: germline.

ARUP Laboratories, Molecular Genetics and Genomics, ARUP Laboratories
Classification: Likely benign. Last evaluated: 2025-05-16. Review status: criteria provided, single submitter. Criteria: ARUP Molecular Germline Variant Investigation Process 2024. Collection method: clinical testing. Allele origin: germline.

Blueprint Genetics
Classification: Likely benign. Last evaluated: 2024-11-26. Review status: criteria provided, single submitter. Criteria: ACMG Guidelines, 2015. Collection method: clinical testing. Allele origin: germline.

Genetic Services Laboratory, University of Chicago
Classification: Benign. Last evaluated: 2015-09-03. Review status: criteria provided, single submitter. Criteria: ACMG Guidelines, 2015. Collection method: clinical testing. Allele origin: germline. Affected: no.

Breakthrough Genomics
Classification: Likely benign. Review status: criteria provided, single submitter. Criteria: ACMG Guidelines, 2015. Collection method: not provided. Allele origin: germline. Inheritance: Autosomal recessive inheritance. Affected: yes.

PreventionGenetics, part of Exact Sciences
Classification: Likely benign for DEAF1-related condition. Last evaluated: 2019-11-20. Review status: no assertion criteria provided. Collection method: clinical testing. Allele origin: germline. Not counted in ClinVar's aggregate classification.
Comment: This variant is classified as likely benign based on ACMG/AMP sequence variant interpretation guidelines (Richards et al. 2015 PMID: 25741868, with internal and published modifications).

NM_021008.4(DEAF1):c.727A>G (p.Met243Val)

Gene: DEAF1 (DEAF1 transcription factor; minus strand). Cytogenetic location: 11p15.5.
Variant type: single nucleotide variant.
Coding change: c.727A>G on transcript NM_021008.4 (MANE Select); coding-DNA position 727, A replaced by G.
Protein change: p.Met243Val; replaces methionine 243 with valine.
Molecular consequence: missense variant. On other transcripts: initiator codon variant (4), intron variant (1).
Genome position (GRCh38, 1-based): chr11:686,935, T>C on the plus strand (A>G on the coding strand, the complement: DEAF1 is on the minus strand). VCF-style: chr11-686935-T-C. GRCh37 (hg19) VCF-style: chr11-686935-T-C.
Other names: c.1A>G, p.Met1Val (NM_001367390.1, NM_001440885.1, NM_001440886.1 and 1 more transcripts); c.727A>G, p.Met243Val (NM_001440883.1, NM_001440884.1); c.664+976A>G (NM_001293634.2); short protein forms M243V, M1V.
Identifiers: ClinVar variation 434931 (VCV000434931.54), dbSNP rs71469813, ClinGen allele CA5786445.